The following is an entry in ClinVar:

NM_018723.4(RBFOX1):c.293C>T (p.Thr98Met)

Genes: RBFOX1 (RNA binding fox-1 homolog 1; plus strand), LOC126862278 (CDK7 strongly-dependent group 2 enhancer GRCh37_chr16:7629446-7630645; plus strand). Cytogenetic location: 16p13.3.
Variant type: single nucleotide variant.
Coding change: c.293C>T on transcript NM_018723.4 (MANE Select); coding-DNA position 293, C replaced by T.
Protein change: p.Thr98Met; replaces threonine 98 with methionine.
Molecular consequence: missense variant.
Genome position (GRCh38, 1-based): chr16:7,579,799, C>T. VCF-style: chr16-7579799-C-T. GRCh37 (hg19) VCF-style: chr16-7629801-C-T.
Other names: c.293C>T, p.Thr98Met (NM_001142333.2, NM_001142334.2, NM_001364800.2); c.422C>T, p.Thr141Met (NM_001308117.1); c.353C>T, p.Thr118Met (NM_145891.3, NM_145892.3, NM_145893.3); short protein forms T118M, T98M, T141M.
Identifiers: ClinVar variation 529521 (VCV000529521.11), dbSNP rs373077021, ClinGen allele CA7891433.
Genomic context (GRCh38, chr16:7,579,799, plus strand): 5'-CCACTGAGAACCTCTTCGGTTTCTTCTTGTTCTTTTAGCAGACAGATGACGCAGCACCGA[C>T]GGATGGCCAGCCCCAGACACAACCTTCTGAAAACACGGAAAACAAGTCTCAGCCCAAGCG-3'
Protein context (NP_061193.2, residues 88-108): TATQTDDAAP[Thr98Met]DGQPQTQPSE

ClinVar aggregate classification (germline): Uncertain significance. Review status: criteria provided, multiple submitters, no conflicts (2 of 4 stars). 2 submissions from 2 submitters: Uncertain significance (2). Last evaluated 2026-01-12.

Conditions:
Idiopathic generalized epilepsy. Also called: Generalised epilepsy; EIG. Identifiers: MedGen C0270850, MONDO:0005579, OMIM 600669.

Allele frequency attached by ClinVar (database versions not stated): gnomAD exomes 0.00002; gnomAD 0.00003 and 0.00004; ExAC 0.00004; TOPMed 0.00005; ESP Exome Variant Server 0.00008.
gnomAD v4.1: 217 of 1,613,982 alleles (0.013%); highest among the groups gnomAD compares: Non-Finnish European, 0.018%; no homozygotes.

Submissions (2):

Labcorp Genetics (formerly Invitae), Labcorp
Classification: Uncertain significance for Idiopathic generalized epilepsy. Last evaluated: 2026-01-12. Review status: criteria provided, single submitter. Criteria: Invitae Variant Classification Sherloc (09022015). Collection method: clinical testing. Allele origin: germline.
Comment: This sequence change replaces threonine, which is neutral and polar, with methionine, which is neutral and non-polar, at codon 118 of the RBFOX1 protein (p.Thr118Met). This variant is present in population databases (rs373077021, gnomAD 0.007%). This variant has not been reported in the literature in individuals affected with RBFOX1-related conditions. ClinVar contains an entry for this variant (Variation ID: 529521). Invitae Evidence Modeling of protein sequence and biophysical properties (such as structural, functional, and spatial information, amino acid conservation, physicochemical variation, residue mobility, and thermodynamic stability) indicates that this missense variant is not expected to disrupt RBFOX1 protein function with a negative predictive value of 80%. In summary, the available evidence is currently insufficient to determine the role of this variant in disease. Therefore, it has been classified as a Variant of Uncertain Significance.

Fulgent Genetics
Classification: Uncertain significance for Idiopathic generalized epilepsy. Last evaluated: 2018-10-31. Review status: criteria provided, single submitter. Criteria: ACMG Guidelines, 2015. Collection method: clinical testing. Allele origin: unknown.